The following is an entry in ClinVar:

NM_006118.4(HAX1):c.190G>A (p.Gly64Ser)

Gene: HAX1 (HCLS1 associated protein X-1; plus strand). Cytogenetic location: 1q21.3.
Variant type: single nucleotide variant.
Coding change: c.190G>A on transcript NM_006118.4 (MANE Select); coding-DNA position 190, G replaced by A.
Protein change: p.Gly64Ser; replaces glycine 64 with serine.
Molecular consequence: missense variant. On other transcripts: intron variant (1).
Genome position (GRCh38, 1-based): chr1:154,273,472, G>A. VCF-style: chr1-154273472-G-A. GRCh37 (hg19) VCF-style: chr1-154245948-G-A.
Other names: c.54-8G>A (NM_001018837.2); short protein forms G64S.
Identifiers: ClinVar variation 3605853 (VCV003605853.3).

ClinVar aggregate classification (germline): Uncertain significance. Review status: criteria provided, multiple submitters, no conflicts (2 of 4 stars). 2 submissions from 2 submitters: Uncertain significance (2). Last evaluated 2025-03-29.

Conditions:
Inborn genetic diseases. Identifiers: MedGen C0950123, MeSH D030342.
Kostmann syndrome (SCN3). Also called: KOSTMANN DISEASE; Autosomal recessive severe congenital neutropenia type 3. Identifiers: Orphanet 99749, MedGen C5235141, MONDO:0012548, OMIM 610738.

Submissions (2):

Ambry Genetics
Classification: Uncertain significance for Inborn genetic diseases. Last evaluated: 2025-03-29. Review status: criteria provided, single submitter. Criteria: Ambry Variant Classification Scheme 2023. Collection method: clinical testing. Allele origin: germline.
Comment: The p.G64S variant (also known as c.190G>A), located in coding exon 2 of the HAX1 gene, results from a G to A substitution at nucleotide position 190. The glycine at codon 64 is replaced by serine, an amino acid with similar properties. This amino acid position is conserved. In addition, this alteration is predicted to be tolerated by in silico analysis. Based on the available evidence, the clinical significance of this variant remains unclear.

Labcorp Genetics (formerly Invitae), Labcorp
Classification: Uncertain significance for Kostmann syndrome. Last evaluated: 2024-07-25. Review status: criteria provided, single submitter. Criteria: Invitae Variant Classification Sherloc (09022015). Collection method: clinical testing. Allele origin: germline.
Comment: This sequence change replaces glycine, which is neutral and non-polar, with serine, which is neutral and polar, at codon 64 of the HAX1 protein (p.Gly64Ser). This variant is not present in population databases (gnomAD no frequency). This variant has not been reported in the literature in individuals affected with HAX1-related conditions. Advanced modeling of protein sequence and biophysical properties (such as structural, functional, and spatial information, amino acid conservation, physicochemical variation, residue mobility, and thermodynamic stability) performed at Invitae indicates that this missense variant is not expected to disrupt HAX1 protein function with a negative predictive value of 80%. In summary, the available evidence is currently insufficient to determine the role of this variant in disease. Therefore, it has been classified as a Variant of Uncertain Significance.